The following is an entry in ClinVar:

NM_000501.4(ELN):c.2051G>T (p.Gly684Val)

Gene: ELN (elastin; plus strand). Cytogenetic location: 7q11.23.
Variant type: single nucleotide variant.
Coding change: c.2051G>T on transcript NM_000501.4 (MANE Select); coding-DNA position 2051, G replaced by T.
Protein change: p.Gly684Val; replaces glycine 684 with valine.
Molecular consequence: missense variant. On other transcripts: intron variant (6).
Genome position (GRCh38, 1-based): chr7:74,065,962, G>T. VCF-style: chr7-74065962-G-T. GRCh37 (hg19) VCF-style: chr7-73480292-G-T.
Other names: c.1994G>T, p.Gly665Val (NM_001081755.3); c.1808G>T, p.Gly603Val (NM_001278913.2); c.1979G>T, p.Gly660Val (NM_001278914.2); c.2069G>T, p.Gly690Val (NM_001278915.2); c.2021G>T, p.Gly674Val (NM_001278917.2); c.2237G>T, p.Gly746Val (NM_001278939.2); c.2047+230G>T (NM_001081754.3); c.1990+230G>T (NM_001081753.3); and 4 more; short protein forms G603V, G660V, G665V, G674V, G684V, G690V, G746V.
Identifiers: ClinVar variation 4976414 (VCV004976414.1).

ClinVar aggregate classification (germline): Uncertain significance (1 of 4 stars; one submission).

Submission:

GeneDx
Classification: Uncertain significance. Last evaluated: 2026-02-07. Review status: criteria provided, single submitter. Criteria: GeneDx Variant Classification Process June 2021. Collection method: clinical testing. Allele origin: germline.
Comment: Not observed at significant frequency in large population cohorts (gnomAD); In silico analysis supports that this missense variant has a deleterious effect on protein structure/function; Has not been previously published as pathogenic or benign to our knowledge.